The following is an entry in ClinVar:

NM_000255.4(MMUT):c.1147_1148del (p.Gln383fs)

Gene: MMUT (methylmalonyl-CoA mutase; minus strand). Cytogenetic location: 6p12.3.
Variant type: Deletion.
Coding change: c.1147_1148del on transcript NM_000255.4 (MANE Select); coding-DNA positions 1147 to 1148, 2 bases deleted (CA; older notation c.1147_1148delCA).
Protein change: p.Gln383fs; shifts the reading frame from glutamine 383.
Molecular consequence: frameshift variant.
Genome position (GRCh38, 1-based): chr6:49,451,650-49,451,651, TG deleted on the plus strand (CA on the coding strand, the reverse complement: MMUT is on the minus strand). VCF-style (leftmost placement, unchanged base first): chr6-49451649-CTG-C. GRCh37 (hg19) VCF-style: chr6-49419362-CTG-C.
Other names: short protein forms Q383fs.
Identifiers: ClinVar variation 1453607 (VCV001453607.6), dbSNP rs2127417955, ClinGen allele CA2573140874.

ClinVar aggregate classification (germline): Pathogenic (1 of 4 stars; one submission).

Submission:

Labcorp Genetics (formerly Invitae), Labcorp
Classification: Pathogenic. Last evaluated: 2021-07-28. Review status: criteria provided, single submitter. Criteria: Invitae Variant Classification Sherloc (09022015). Collection method: clinical testing. Allele origin: germline.
Comment: This sequence change creates a premature translational stop signal (p.Gln383Valfs*8) in the MUT gene. It is expected to result in an absent or disrupted protein product. Loss-of-function variants in MUT are known to be pathogenic (PMID: 15781192). This variant is not present in population databases (ExAC no frequency). This variant has not been reported in the literature in individuals affected with MUT-related conditions. For these reasons, this variant has been classified as Pathogenic.

Literature cited by the submitters: PubMed 15781192.